The following is an entry in ClinVar:

ClinVar aggregate classification (germline): Pathogenic (1 of 4 stars; one submission).

Conditions:
Tuberous sclerosis 2 (TSC2). Identifiers: Orphanet 805, MedGen C1860707, MONDO:0013199, OMIM 613254.

Submission:

Labcorp Genetics (formerly Invitae), Labcorp
Classification: Pathogenic for Tuberous sclerosis 2. Last evaluated: 2025-01-27. Review status: criteria provided, single submitter. Criteria: Invitae Variant Classification Sherloc (09022015). Collection method: clinical testing. Allele origin: germline.
Comment: This sequence change affects a donor splice site in intron 35 of the TSC2 gene. It is expected to disrupt RNA splicing. Variants that disrupt the donor or acceptor splice site typically lead to a loss of protein function (PMID: 16199547), and loss-of-function variants in TSC2 are known to be pathogenic (PMID: 10205261, 17304050). This variant is not present in population databases (gnomAD no frequency). Disruption of this splice site has been observed in individual(s) with clinical features of tuberous sclerosis complex (PMID: 29476190, 31525612). ClinVar contains an entry for this variant (Variation ID: 468102). Algorithms developed to predict the effect of sequence changes on RNA splicing suggest that this variant may disrupt the consensus splice site. For these reasons, this variant has been classified as Pathogenic.

Literature cited by the submitters: PubMed 16199547; PubMed 10205261; PubMed 17304050; PubMed 29476190; PubMed 31525612.

NM_000548.5(TSC2):c.4569+2T>G

Gene: TSC2 (TSC complex subunit 2; plus strand). Cytogenetic location: 16p13.3.
Variant type: single nucleotide variant.
Coding change: c.4569+2T>G on transcript NM_000548.5 (MANE Select); the canonical splice donor site of the intron after coding-DNA position 4569, T replaced by G.
Molecular consequence: splice donor variant.
Genome position (GRCh38, 1-based): chr16:2,085,028, T>G. VCF-style: chr16-2085028-T-G. GRCh37 (hg19) VCF-style: chr16-2135029-T-G.
Other names: c.3027+2T>G (NM_001406693.1, NM_001406692.1, NM_001406694.1); c.4461+2T>G (NM_001406667.1); c.4458+2T>G (NM_001406668.1); c.3969+2T>G (NM_001406680.1); c.3900+2T>G (NM_001406683.1, NM_001406682.1); c.3768+2T>G (NM_001406687.1, NM_001406688.1); c.3156+2T>G (NM_001406689.1); c.3096+2T>G (NM_001406690.1); and 26 more.
Identifiers: ClinVar variation 468102 (VCV000468102.7), dbSNP rs1555514984, ClinGen allele CA394303139.
Genomic context (GRCh38, chr16:2,085,028, plus strand): 5'-TCTACCATTCCCCCTTCTTTGGCGACGAGTCAAACAAGCCAATCCTGCTGCCCAATGAGG[T>G]AGGCGTGGCCTCCCTCTCCTGCATCCGCTGGAGCTGTGTGGCTCGGGTGAATGGTGGGGG-3'